The following is an entry in ClinVar:

NM_006218.4(PIK3CA):c.1435T>A (p.Trp479Arg)

Gene: PIK3CA (phosphatidylinositol-4,5-bisphosphate 3-kinase catalytic subunit alpha; plus strand). Cytogenetic location: 3q26.32.
Variant type: single nucleotide variant.
Coding change: c.1435T>A on transcript NM_006218.4 (MANE Select); coding-DNA position 1435, T replaced by A.
Protein change: p.Trp479Arg; replaces tryptophan 479 with arginine.
Molecular consequence: missense variant.
Genome position (GRCh38, 1-based): chr3:179,210,461, T>A. VCF-style: chr3-179210461-T-A. GRCh37 (hg19) VCF-style: chr3-178928249-T-A.
Other names: short protein forms W479R.
Identifiers: ClinVar variation 3888932 (VCV003888932.1).

ClinVar aggregate classification (germline): Uncertain significance (1 of 4 stars; one submission).

Conditions:
Inborn genetic diseases. Identifiers: MedGen C0950123, MeSH D030342.

gnomAD v4.1: 3 of 1,613,928 alleles (0.00019%); highest among the groups gnomAD compares: Admixed American, 0.005%; no homozygotes.

Submission:

Ambry Genetics
Classification: Uncertain significance for Inborn genetic diseases. Last evaluated: 2025-01-13. Review status: criteria provided, single submitter. Criteria: Ambry Variant Classification Scheme 2023. Collection method: clinical testing. Allele origin: germline.
Comment: The p.W479R variant (also known as c.1435T>A), located in coding exon 8 of the PIK3CA gene, results from a T to A substitution at nucleotide position 1435. The tryptophan at codon 479 is replaced by arginine, an amino acid with dissimilar properties. This amino acid position is conserved. In addition, the in silico prediction for this alteration is inconclusive. Based on the available evidence, the clinical significance of this variant remains unclear.